The following is an entry in ClinVar:

ClinVar aggregate classification (germline): Uncertain significance (1 of 4 stars; one submission).

Conditions:
Dyskeratosis congenita. Identifiers: Orphanet 1775, MedGen C0265965, MONDO:0015780.

Submission:

Labcorp Genetics (formerly Invitae), Labcorp
Classification: Uncertain significance for Dyskeratosis congenita. Last evaluated: 2025-02-13. Review status: criteria provided, single submitter. Criteria: Invitae Variant Classification Sherloc (09022015). Collection method: clinical testing. Allele origin: germline.
Comment: This sequence change creates a premature translational stop signal (p.Val118Glyfs*57) in the TINF2 gene. It is expected to result in an absent or disrupted protein product. However, the current clinical and genetic evidence is not sufficient to establish whether loss-of-function variants in TINF2 cause disease. This variant is not present in population databases (gnomAD no frequency). This variant has not been reported in the literature in individuals affected with TINF2-related conditions. In summary, the available evidence is currently insufficient to determine the role of this variant in disease. Therefore, it has been classified as a Variant of Uncertain Significance.

NM_001099274.3(TINF2):c.353del (p.Val118fs)

Gene: TINF2 (TERF1 interacting nuclear factor 2; minus strand). Cytogenetic location: 14q12.
Variant type: Deletion.
Coding change: c.353del on transcript NM_001099274.3 (MANE Select); coding-DNA position 353, one base deleted (T; older notation c.353delT).
Protein change: p.Val118fs; shifts the reading frame from valine 118.
Molecular consequence: frameshift variant.
Genome position (GRCh38, 1-based): chr14:24,241,721, A deleted on the plus strand (T on the coding strand, the reverse complement: TINF2 is on the minus strand). VCF-style (leftmost placement, unchanged base first): chr14-24241720-CA-C. GRCh37 (hg19) VCF-style: chr14-24710926-CA-C.
Other names: c.248del, p.Val83fs (NM_001363668.2); c.353del, p.Val118fs (NM_012461.3); short protein forms V118fs, V83fs.
Identifiers: ClinVar variation 4705828 (VCV004705828.1).